The following is an entry in ClinVar:

NM_001079872.2(CUL4B):c.1725A>G (p.Ile575Met)

Gene: CUL4B (cullin 4B; minus strand). Cytogenetic location: Xq24.
Variant type: single nucleotide variant.
Coding change: c.1725A>G on transcript NM_001079872.2 (MANE Select); coding-DNA position 1725, A replaced by G.
Protein change: p.Ile575Met; replaces isoleucine 575 with methionine.
Molecular consequence: missense variant.
Genome position (GRCh38, 1-based): chrX:120,539,284, T>C on the plus strand (A>G on the coding strand, the complement: CUL4B is on the minus strand). VCF-style: chrX-120539284-T-C. GRCh37 (hg19) VCF-style: chrX-119673139-T-C.
Other names: c.1740A>G, p.Ile580Met (NM_001330624.2); c.1191A>G, p.Ile397Met (NM_001369145.1); c.1779A>G, p.Ile593Met (NM_003588.4); short protein forms I397M, I575M, I580M, I593M.
Identifiers: ClinVar variation 1312614 (VCV001312614.2), dbSNP rs1382555486, ClinGen allele CA414195708.

ClinVar aggregate classification (germline): Uncertain significance (1 of 4 stars; one submission).

Allele frequency attached by ClinVar (database versions not stated): gnomAD exomes 0.00002.
gnomAD v4.1: 19 of 1,147,227 alleles (0.0017%); highest among the groups gnomAD compares: Non-Finnish European, 0.0023%; no homozygotes.

Submission:

GeneDx
Classification: Uncertain significance. Last evaluated: 2020-04-13. Review status: criteria provided, single submitter. Criteria: GeneDx Variant Classification Process June 2021. Collection method: clinical testing. Allele origin: germline. Affected: yes.
Comment: In silico analysis supports that this missense variant does not alter protein structure/function; No data available from control populations to assess the frequency of this variant; Has not been previously published as pathogenic or benign to our knowledge